The following is an entry in ClinVar:

NM_000264.5(PTCH1):c.270_304del (p.Tyr93fs)

Gene: PTCH1 (patched 1; minus strand). Cytogenetic location: 9q22.32.
Variant type: Deletion.
Coding change: c.270_304del on transcript NM_000264.5 (MANE Select); coding-DNA positions 270 to 304, 35 bases deleted.
Protein change: p.Tyr93fs; shifts the reading frame from tyrosine 93.
Molecular consequence: frameshift variant. On other transcripts: 5 prime UTR variant (4), non-coding transcript variant (1).
Genome position (GRCh38, 1-based): chr9:95,506,497-95,506,531, 35 bases deleted; deleting any 35 consecutive bases within chr9:95,506,497-95,506,533 gives the same sequence; the c. name uses the placement nearest the transcript's 3' end. GRCh37 (hg19): chr9:98,268,781-98,268,815.
Other names: c.270_304delGGGTTGTTACATTCAAAAAAACTGCGGCAAGTTCT (NM_000264.3); c.72_106del, p.Tyr27fs (NM_001083602.3, NM_001354919.2); c.267_301del, p.Tyr92fs (NM_001083603.3); c.-184_-150del (NM_001083604.3, NM_001083605.3, NM_001083606.3 and 1 more transcripts); c.270_304del, p.Tyr93fs (NM_001354918.2); short protein forms Y92fs, Y93fs, Y27fs.
Identifiers: ClinVar variation 220567 (VCV000220567.9), dbSNP rs864622583, ClinGen allele CA350057.

ClinVar aggregate classification (germline): Pathogenic (1 of 4 stars; one submission).

Conditions:
Gorlin syndrome. Also called: Nevoid Basal Cell Carcinoma Syndrome; Basal cell nevus syndrome. Identifiers: Orphanet 377, MedGen C0004779, MONDO:0007187.

Submission:

Labcorp Genetics (formerly Invitae), Labcorp
Classification: Pathogenic for Gorlin syndrome. Last evaluated: 2016-06-27. Review status: criteria provided, single submitter. Criteria: Invitae Variant Classification Sherloc (09022015). Collection method: clinical testing. Allele origin: germline.
Comment: This sequence change deletes 35 nucleotides from exon 2 of the PTCH1 mRNA (c.270_304del), causing a frameshift at codon 93. This creates a premature translational stop signal (p.Tyr93Glyfs*35) and is expected to result in an absent or disrupted protein product. While this particular variant has not been reported in the literature, truncating variants in PTCH1 are known to be pathogenic (PMID: 16301862, 16419085). For these reasons, this variant has been classified as Pathogenic.

Literature cited by the submitters: PubMed 16301862; PubMed 16419085.